The following is an entry in ClinVar:

NM_022081.6(HPS4):c.266A>T (p.Asp89Val)

Gene: HPS4 (HPS4 biogenesis of lysosomal organelles complex 3 subunit 2; minus strand). Cytogenetic location: 22q12.1.
Variant type: single nucleotide variant.
Coding change: c.266A>T on transcript NM_022081.6 (MANE Select); coding-DNA position 266, A replaced by T.
Protein change: p.Asp89Val; replaces aspartic acid 89 with valine.
Molecular consequence: missense variant. On other transcripts: non-coding transcript variant (8).
Genome position (GRCh38, 1-based): chr22:26,477,003, T>A on the plus strand (A>T on the coding strand, the complement: HPS4 is on the minus strand). VCF-style: chr22-26477003-T-A. GRCh37 (hg19) VCF-style: chr22-26872969-T-A.
Other names: c.266A>T, p.Asp89Val (NM_001349896.1, NM_001349898.2, NM_001349899.2 and 6 more transcripts); c.251A>T, p.Asp84Val (NM_152841.2); short protein forms D84V, D89V.
Identifiers: ClinVar variation 1160897 (VCV001160897.12), dbSNP rs551412746, ClinGen allele CA10163782.

ClinVar aggregate classification (germline): Likely benign. Review status: criteria provided, multiple submitters, no conflicts (2 of 4 stars). 2 submissions from 2 submitters: Likely benign (2). Last evaluated 2026-03-10.

Allele frequency attached by ClinVar (database versions not stated): TOPMed 0.00001; gnomAD 0.00009; gnomAD exomes 0.00038; 1000 Genomes Project 0.00040; ExAC 0.00044; 1000 Genomes Project 30x 0.00047.
gnomAD v4.1: 285 of 1,614,138 alleles (0.018%); highest among the groups gnomAD compares: South Asian, 0.3%; 5 homozygotes.

Submissions (2):

Women's Health and Genetics/Laboratory Corporation of America, LabCorp
Classification: Likely benign. Last evaluated: 2026-03-10. Review status: criteria provided, single submitter. Criteria: LabCorp Variant Classification Summary - May 2015. Collection method: clinical testing. Allele origin: germline.
Comment: Variant summary: HPS4 c.266A>T (p.Asp89Val) results in a non-conservative amino acid change located in the CCZ1/INTU/HSP4, first Longin domain (IPR043987) of the encoded protein sequence. Algorithms developed to predict the effect of missense changes on protein structure and function all suggest that this variant is likely to be disruptive. The variant allele was found at a frequency of 0.00038 in 251464 control chromosomes, predominantly at a frequency of 0.0031 within the South Asian subpopulation in the gnomAD database, including 1 homozygotes. The observed variant frequency within South Asian control individuals in the gnomAD database exceeds the estimated maximal expected allele frequency for disease-causing variants in HPS4. To our knowledge, no occurrence of c.266A>T in individuals affected with HPS4-related conditions and no experimental evidence demonstrating its impact on protein function have been reported. ClinVar contains an entry for this variant (Variation ID: 1160897). Based on the evidence outlined above, the variant was classified as likely benign.

Labcorp Genetics (formerly Invitae), Labcorp
Classification: Likely benign. Last evaluated: 2026-01-14. Review status: criteria provided, single submitter. Criteria: Invitae Variant Classification Sherloc (09022015). Collection method: clinical testing. Allele origin: germline.